The following is an entry in ClinVar:

NM_001114753.3(ENG):c.379T>C (p.Phe127Leu)

Gene: ENG (endoglin; minus strand). Cytogenetic location: 9q34.11.
Variant type: single nucleotide variant.
Coding change: c.379T>C on transcript NM_001114753.3 (MANE Select); coding-DNA position 379, T replaced by C.
Protein change: p.Phe127Leu; replaces phenylalanine 127 with leucine.
Molecular consequence: missense variant. On other transcripts: 5 prime UTR variant (1).
Genome position (GRCh38, 1-based): chr9:127,826,654, A>G on the plus strand (T>C on the coding strand, the complement: ENG is on the minus strand). VCF-style: chr9-127826654-A-G. GRCh37 (hg19) VCF-style: chr9-130588933-A-G.
Other names: c.379T>C, p.Phe127Leu (NM_000118.4, NM_001406715.1); c.-168T>C (NM_001278138.2); short protein forms F127L.
Identifiers: ClinVar variation 5035985 (VCV005035985.1).

ClinVar aggregate classification (germline): Uncertain significance (1 of 4 stars; one submission).

Conditions:
Cardiovascular phenotype. Identifiers: MedGen CN230736.

Submission:

Ambry Genetics
Classification: Uncertain significance for Cardiovascular phenotype. Last evaluated: 2026-08-23. Review status: criteria provided, single submitter. Criteria: Ambry Variant Classification Scheme 2023. Collection method: clinical testing. Allele origin: germline.
Comment: The p.F127L variant (also known as c.379T>C), located in coding exon 4 of the ENG gene, results from a T to C substitution at nucleotide position 379. The phenylalanine at codon 127 is replaced by leucine, an amino acid with highly similar properties. This amino acid position is conserved. In addition, this alteration is predicted to be tolerated by in silico analysis. Based on the available evidence, the clinical significance of this variant remains unclear.